The following is an entry in ClinVar:

ClinVar aggregate classification (germline): Uncertain significance (1 of 4 stars; one submission).

Conditions:
Cardiovascular phenotype. Identifiers: MedGen CN230736.

Allele frequency attached by ClinVar (database versions not stated): ExAC 0.00001; gnomAD 0.00001; gnomAD exomes 0.00001; TOPMed 0.00001.
gnomAD v4.1: 4 of 1,613,888 alleles (0.00025%); highest among the groups gnomAD compares: South Asian, 0.0033%; no homozygotes.

Submission:

Ambry Genetics
Classification: Uncertain significance for Cardiovascular phenotype. Last evaluated: 2023-09-05. Review status: criteria provided, single submitter. Criteria: Ambry Variant Classification Scheme 2023. Collection method: clinical testing. Allele origin: germline.
Comment: The p.A573G variant (also known as c.1718C>G), located in coding exon 12 of the VCL gene, results from a C to G substitution at nucleotide position 1718. The alanine at codon 573 is replaced by glycine, an amino acid with similar properties. This amino acid position is conserved. In addition, the in silico prediction for this alteration is inconclusive. Since supporting evidence is limited at this time, the clinical significance of this alteration remains unclear.

NM_014000.3(VCL):c.1718C>G (p.Ala573Gly)

Gene: VCL (vinculin; plus strand). Cytogenetic location: 10q22.2.
Variant type: single nucleotide variant.
Coding change: c.1718C>G on transcript NM_014000.3 (MANE Select); coding-DNA position 1718, C replaced by G.
Protein change: p.Ala573Gly; replaces alanine 573 with glycine.
Molecular consequence: missense variant.
Genome position (GRCh38, 1-based): chr10:74,095,830, C>G. VCF-style: chr10-74095830-C-G. GRCh37 (hg19) VCF-style: chr10-75855588-C-G.
Other names: c.1718C>G, p.Ala573Gly (NM_003373.4); short protein forms A573G.
Identifiers: ClinVar variation 2586049 (VCV002586049.2), dbSNP rs777130723, ClinGen allele CA5563057.
Genomic context (GRCh38, chr10:74,095,830, plus strand): 5'-CCCAGCTGGCTGACCTGGCTGCCAGAGGGGAAGGGGAGAGTCCTCAGGCACGAGCACTTG[C>G]ATCTCAGCTCCAAGACTCCTTAAAGGTAGAAGTCAGGAGCACATATCATTTTACTTTTTA-3'
Protein context (NP_054706.1, residues 563-583): EGESPQARAL[Ala573Gly]SQLQDSLKDL